The following is an entry in ClinVar:

NM_018417.6(ADCY10):c.254-19dup

Genes: ADCY10 (adenylate cyclase 10; minus strand), DCAF6 (DDB1 and CUL4 associated factor 6; plus strand). Cytogenetic location: 1q24.2.
Variant type: Duplication.
Coding change: c.254-19dup on transcript NM_018417.6 (MANE Select); 19 bases into the intron before coding-DNA position 254, one base duplicated (T; older notation c.254-19dupT).
Molecular consequence: intron variant.
Genome position (GRCh38, 1-based): chr1:167,902,060, A duplicated on the plus strand (T on the coding strand, the reverse complement: ADCY10 is on the minus strand); the first of 14 consecutive A bases (chr1:167,902,060-167,902,073); duplicating any one gives the same sequence. VCF-style (leftmost placement, unchanged base first): chr1-167902059-G-GA. GRCh37 (hg19) VCF-style: chr1-167871297-G-GA.
Other names: p.?; c.-62-19dup (NM_001167749.3); c.-60-19dup (NM_001297772.2); c.254-6dup (NM_018417.6).
Identifiers: ClinVar variation 767724 (VCV000767724.8), dbSNP rs746507234, ClinGen allele CA1228350.

ClinVar aggregate classification (germline): Benign/Likely benign. Review status: criteria provided, multiple submitters, no conflicts (2 of 4 stars). 5 submissions from 5 submitters: Benign (3); Likely benign (2). Last evaluated 2024-11-26.

Conditions:
Familial idiopathic hypercalciuria (HCA2). Also called: Hypercalciuria, absorptive, 2; Hypercalciuria, absorptive, susceptibility to. Identifiers: MedGen C0342639, MONDO:0007748, OMIM 143870.

Submissions (5):

Blueprint Genetics
Classification: Likely benign. Last evaluated: 2024-11-26. Review status: criteria provided, single submitter. Criteria: ACMG Guidelines, 2015. Collection method: clinical testing. Allele origin: germline.

Mayo Clinic Laboratories, Mayo Clinic
Classification: Benign. Last evaluated: 2022-10-04. Review status: criteria provided, single submitter. Criteria: ACMG Guidelines, 2015. Collection method: clinical testing. Allele origin: germline. Observed: 21 variant alleles.
Comment: BS1, BS2, BP4, BP7

Fulgent Genetics
Classification: Likely benign for Familial idiopathic hypercalciuria. Last evaluated: 2021-07-26. Review status: criteria provided, single submitter. Criteria: ACMG Guidelines, 2015. Collection method: clinical testing. Allele origin: unknown.

GeneDx
Classification: Benign. Last evaluated: 2019-08-20. Review status: criteria provided, single submitter. Criteria: GeneDx Variant Classification Process June 2021. Collection method: clinical testing. Allele origin: germline. Affected: yes.

Labcorp Genetics (formerly Invitae), Labcorp
Classification: Benign. Last evaluated: 2017-06-06. Review status: criteria provided, single submitter. Criteria: Invitae Variant Classification Sherloc (09022015). Collection method: clinical testing. Allele origin: germline.